The following is an entry in ClinVar:

ClinVar aggregate classification (germline): Uncertain significance (1 of 4 stars; one submission).

gnomAD v4.1: 2 of 1,613,994 alleles (0.00012%); highest among the groups gnomAD compares: Non-Finnish European, 0.00017%; no homozygotes.

Submission:

GeneDx
Classification: Uncertain significance. Last evaluated: 2024-10-18. Review status: criteria provided, single submitter. Criteria: GeneDx Variant Classification Process June 2021. Collection method: clinical testing. Allele origin: germline. Affected: yes.
Comment: Not observed at significant frequency in large population cohorts (gnomAD); In silico analysis supports that this missense variant has a deleterious effect on protein structure/function; Has not been previously published as pathogenic or benign to our knowledge

NM_138691.3(TMC1):c.1144C>T (p.Leu382Phe)

Gene: TMC1 (transmembrane channel like 1; plus strand). Cytogenetic location: 9q21.13.
Variant type: single nucleotide variant.
Coding change: c.1144C>T on transcript NM_138691.3 (MANE Select); coding-DNA position 1144, C replaced by T.
Protein change: p.Leu382Phe; replaces leucine 382 with phenylalanine.
Molecular consequence: missense variant.
Genome position (GRCh38, 1-based): chr9:72,789,237, C>T. VCF-style: chr9-72789237-C-T. GRCh37 (hg19) VCF-style: chr9-75404153-C-T.
Other names: short protein forms L382F.
Identifiers: ClinVar variation 3781211 (VCV003781211.1).
Genomic context (GRCh38, chr9:72,789,237, plus strand): 5'-AGATTCCTGAGGTTTCTGGCTAACTTCTTCGTGTTTCTAACACTTGGAGGGAGTGGATAC[C>T]TCATCTTTTGGGCTGTGAAGCGATCCCAGGAATTTGCACAGCAAGATCCTGACACCCTTG-3'
Protein context (NP_619636.2, residues 372-392): VFLTLGGSGY[Leu382Phe]IFWAVKRSQE